The following is an entry in ClinVar:

ClinVar aggregate classification (germline): Uncertain significance (1 of 4 stars; one submission).

Conditions:
Joubert syndrome 18 (JBTS18). Identifiers: Orphanet 2754, MedGen C3553758, MONDO:0013896, OMIM 614815.
Orofacial-digital syndrome IV (OFD4). Also called: Orofaciodigital syndrome IV; BARAITSER-BURN SYNDROME; OFD SYNDROME WITH TIBIAL DEFECTS; OFD SYNDROME, BARAITSER-BURN TYPE; OFDS IV; ORAL-FACIAL-DIGITAL SYNDROME, TYPE IV. Identifiers: Orphanet 2753, MedGen C0406727, MONDO:0009794, OMIM 258860.

gnomAD v4.1: 1 of 1,613,994 alleles (0.000062%); highest among the groups gnomAD compares: Admixed American, 0.0017%; no homozygotes.

Submission:

Labcorp Genetics (formerly Invitae), Labcorp
Classification: Uncertain significance for Joubert syndrome 18; Orofacial-digital syndrome IV. Last evaluated: 2022-05-20. Review status: criteria provided, single submitter. Criteria: Invitae Variant Classification Sherloc (09022015). Collection method: clinical testing. Allele origin: germline.
Comment: In summary, the available evidence is currently insufficient to determine the role of this variant in disease. Therefore, it has been classified as a Variant of Uncertain Significance. Algorithms developed to predict the effect of missense changes on protein structure and function are either unavailable or do not agree on the potential impact of this missense change (SIFT: "Deleterious"; PolyPhen-2: "Probably Damaging"; Align-GVGD: "Class C0"). This variant has not been reported in the literature in individuals affected with TCTN3-related conditions. This variant is present in population databases (rs747888353, gnomAD 0.003%). This sequence change replaces isoleucine, which is neutral and non-polar, with methionine, which is neutral and non-polar, at codon 336 of the TCTN3 protein (p.Ile336Met).

NM_015631.6(TCTN3):c.1008C>G (p.Ile336Met)

Gene: TCTN3 (tectonic family member 3; minus strand). Cytogenetic location: 10q24.1.
Variant type: single nucleotide variant.
Coding change: c.1008C>G on transcript NM_015631.6 (MANE Select); coding-DNA position 1008, C replaced by G.
Protein change: p.Ile336Met; replaces isoleucine 336 with methionine.
Molecular consequence: missense variant. On other transcripts: intron variant (1).
Genome position (GRCh38, 1-based): chr10:95,684,586, G>C on the plus strand (C>G on the coding strand, the complement: TCTN3 is on the minus strand). VCF-style: chr10-95684586-G-C. GRCh37 (hg19) VCF-style: chr10-97444343-G-C.
Other names: c.1062C>G, p.Ile354Met (NM_001013840.1); c.927C>G, p.Ile309Met (NM_001410982.1); c.652-957C>G (NM_001143973.2); short protein forms I354M, I309M, I336M.
Identifiers: ClinVar variation 1930361 (VCV001930361.5), dbSNP rs747888353, ClinGen allele CA5620982.